The following is an entry in ClinVar:

ClinVar aggregate classification (germline): Uncertain significance (1 of 4 stars; one submission).

Conditions:
MYO15A-related disorder. Also called: MYO15A-related condition.

gnomAD v4.1: 7 of 1,508,196 alleles (0.00046%); highest among the groups gnomAD compares: African/African-American, 0.0071%; no homozygotes.

Submission:

PreventionGenetics, part of Exact Sciences
Classification: Uncertain significance for MYO15A-related condition. Last evaluated: 2026-05-28. Review status: criteria provided, single submitter. Criteria: ACMG Guidelines, 2015. Collection method: clinical testing. Allele origin: germline.
Comment: The MYO15A c.2569C>T variant is predicted to result in the amino acid substitution p.Pro857Ser. To our knowledge, this variant has not been reported in the literature or in a large population database (gnomAD), indicating this variant is rare. At this time, the clinical significance of this variant is uncertain due to the absence of conclusive functional and genetic evidence.

NM_016239.4(MYO15A):c.2569C>T (p.Pro857Ser)

Gene: MYO15A (myosin XVA; plus strand). Cytogenetic location: 17p11.2.
Variant type: single nucleotide variant.
Coding change: c.2569C>T on transcript NM_016239.4 (MANE Select); coding-DNA position 2569, C replaced by T.
Protein change: p.Pro857Ser; replaces proline 857 with serine.
Molecular consequence: missense variant.
Genome position (GRCh38, 1-based): chr17:18,121,369, C>T. VCF-style: chr17-18121369-C-T. GRCh37 (hg19) VCF-style: chr17-18024683-C-T.
Other names: short protein forms P857S.
Identifiers: ClinVar variation 3351111 (VCV003351111.2).